The following is an entry in ClinVar:

NM_004304.5(ALK):c.4751A>C (p.Tyr1584Ser)

Gene: ALK (ALK receptor tyrosine kinase; minus strand). Cytogenetic location: 2p23.2.
Variant type: single nucleotide variant.
Coding change: c.4751A>C on transcript NM_004304.5 (MANE Select); coding-DNA position 4751, A replaced by C.
Protein change: p.Tyr1584Ser; replaces tyrosine 1584 with serine.
Molecular consequence: missense variant.
Genome position (GRCh38, 1-based): chr2:29,193,336, T>G on the plus strand (A>C on the coding strand, the complement: ALK is on the minus strand). VCF-style: chr2-29193336-T-G. GRCh37 (hg19) VCF-style: chr2-29416202-T-G.
Other names: c.1547A>C, p.Tyr516Ser (NM_001353765.2); short protein forms Y1584S, Y516S.
Identifiers: ClinVar variation 2875954 (VCV002875954.3), dbSNP rs2465872640, ClinGen allele CA346460323.

ClinVar aggregate classification (germline): Uncertain significance (1 of 4 stars; one submission).

Conditions:
Neuroblastoma, susceptibility to, 3. Also called: ALK-Related Neuroblastic Tumor Susceptibility. Identifiers: Orphanet 635, MedGen C2751681, MONDO:0013083, OMIM 613014.

Allele frequency attached by ClinVar (database versions not stated): gnomAD exomes below 0.00001.
gnomAD v4.1: 2 of 1,614,168 alleles (0.00012%); highest among the groups gnomAD compares: Non-Finnish European, 0.00017%; no homozygotes.

Submission:

Labcorp Genetics (formerly Invitae), Labcorp
Classification: Uncertain significance for Neuroblastoma, susceptibility to, 3. Last evaluated: 2023-12-17. Review status: criteria provided, single submitter. Criteria: Invitae Variant Classification Sherloc (09022015). Collection method: clinical testing. Allele origin: germline.
Comment: This sequence change replaces tyrosine, which is neutral and polar, with serine, which is neutral and polar, at codon 1584 of the ALK protein (p.Tyr1584Ser). This variant is not present in population databases (gnomAD no frequency). This variant has not been reported in the literature in individuals affected with ALK-related conditions. An algorithm developed to predict the effect of missense changes on protein structure and function (PolyPhen-2) suggests that this variant is likely to be disruptive. In summary, the available evidence is currently insufficient to determine the role of this variant in disease. Therefore, it has been classified as a Variant of Uncertain Significance.